The following is an entry in ClinVar:

NM_032536.4(NTNG2):c.134G>A (p.Arg45His)

Gene: NTNG2 (netrin G2; plus strand). Cytogenetic location: 9q34.13.
Variant type: single nucleotide variant.
Coding change: c.134G>A on transcript NM_032536.4 (MANE Select); coding-DNA position 134, G replaced by A.
Protein change: p.Arg45His; replaces arginine 45 with histidine.
Molecular consequence: missense variant.
Genome position (GRCh38, 1-based): chr9:132,166,965, G>A. VCF-style: chr9-132166965-G-A. GRCh37 (hg19) VCF-style: chr9-135042352-G-A.
Other names: short protein forms R45H.
Identifiers: ClinVar variation 777189 (VCV000777189.32), dbSNP rs56128215, ClinGen allele CA5295853.
Genomic context (GRCh38, chr9:132,166,965, plus strand): 5'-GGGTGACCACAGATGAGGGCCCCACCTGGGAGTTCTACGCCTGCCAGCCCAAGGTGATGC[G>A]CCTGAAGGACTACGTCAAGGTGAAGGTGGAGCCCTCAGGCATCACATGTGGAGACCCCCC-3'
Protein context (NP_115925.2, residues 35-55): EFYACQPKVM[Arg45His]LKDYVKVKVE

ClinVar aggregate classification (germline): Benign/Likely benign. Review status: criteria provided, multiple submitters, no conflicts (2 of 4 stars). 2 submissions from 2 submitters: Benign (1); Likely benign (1). Last evaluated 2026-01-01.

Allele frequency attached by ClinVar (database versions not stated): 1000 Genomes Project 0.00260; 1000 Genomes Project 30x 0.00281; TOPMed 0.00466; ESP Exome Variant Server 0.00500; gnomAD exomes 0.00599; ExAC 0.00644; gnomAD 0.00678.
gnomAD v4.1: 11,694 of 1,614,232 alleles (0.72%); highest among the groups gnomAD compares: Non-Finnish European, 0.81%; 72 homozygotes.

Submissions (2):

CeGaT Center for Human Genetics Tuebingen
Classification: Likely benign. Last evaluated: 2026-01-01. Review status: criteria provided, single submitter. Criteria: CeGaT Center For Human Genetics Tuebingen Variant Classification Criteria Version 2. Collection method: clinical testing. Allele origin: germline. Affected: yes. Observed: 20 variant alleles.
Comment: NTNG2: BP4, BS2

Labcorp Genetics (formerly Invitae), Labcorp
Classification: Benign. Last evaluated: 2019-12-31. Review status: criteria provided, single submitter. Criteria: Invitae Variant Classification Sherloc (09022015). Collection method: clinical testing. Allele origin: germline.